The following is an entry in ClinVar:

ClinVar aggregate classification (germline): Uncertain significance. Review status: criteria provided, multiple submitters, no conflicts (2 of 4 stars). 3 submissions from 3 submitters: Uncertain significance (3). Last evaluated 2025-04-03.

Conditions:
Inborn genetic diseases. Identifiers: MedGen C0950123, MeSH D030342.

Allele frequency attached by ClinVar (database versions not stated): gnomAD 0.00001 and 0.00002; TOPMed 0.00001; gnomAD exomes 0.00004 and 0.00005.
gnomAD v4.1: 57 of 1,564,716 alleles (0.0036%); highest among the groups gnomAD compares: Middle Eastern, 0.017%; no homozygotes.

Submissions (3):

Ambry Genetics
Classification: Uncertain significance for Inborn genetic diseases. Last evaluated: 2025-04-03. Review status: criteria provided, single submitter. Criteria: Ambry Variant Classification Scheme 2023. Collection method: clinical testing. Allele origin: germline.

CeGaT Center for Human Genetics Tuebingen
Classification: Uncertain significance. Last evaluated: 2022-05-01. Review status: criteria provided, single submitter. Criteria: CeGaT Center For Human Genetics Tuebingen Variant Classification Criteria Version 2. Collection method: clinical testing. Allele origin: germline. Affected: yes. Observed: 1 variant allele.
Comment: INSR: PP2

Blueprint Genetics
Classification: Uncertain significance. Last evaluated: 2022-01-06. Review status: criteria provided, single submitter. Criteria: ACMG Guidelines, 2015. Collection method: clinical testing. Allele origin: germline.

NM_000208.4(INSR):c.2960C>T (p.Pro987Leu)

Gene: INSR (insulin receptor; minus strand). Cytogenetic location: 19p13.2.
Variant type: single nucleotide variant.
Coding change: c.2960C>T on transcript NM_000208.4 (MANE Select); coding-DNA position 2960, C replaced by T.
Protein change: p.Pro987Leu; replaces proline 987 with leucine.
Molecular consequence: missense variant.
Genome position (GRCh38, 1-based): chr19:7,126,637, G>A on the plus strand (C>T on the coding strand, the complement: INSR is on the minus strand). VCF-style: chr19-7126637-G-A. GRCh37 (hg19) VCF-style: chr19-7126648-G-A.
Other names: c.2924C>T, p.Pro975Leu (NM_001079817.3); c.2960C>T (NM_000208.2); short protein forms P975L, P987L.
Identifiers: ClinVar variation 1694885 (VCV001694885.32), dbSNP rs866193541, ClinGen allele CA304874325.
Genomic context (GRCh38, chr19:7,126,637, plus strand): 5'-TACTCACCATCACTGGCACTGAGATACTCAGGGTTTGAAGAAGCGTAAAGCGGTCCCAGC[G>A]GCCCATCTGGCTGCCTGGAGGAGGAAAACGAGGCACGTTAGCTTGAGATTCTCATGGGAC-3'
Protein context (NP_000199.2, residues 977-997): LFLRKRQPDG[Pro987Leu]LGPLYASSNP